The following is an entry in ClinVar:

ClinVar aggregate classification (germline): Uncertain significance (1 of 4 stars; one submission).

Allele frequency attached by ClinVar (database versions not stated): gnomAD exomes 0.00003; ExAC 0.00004; gnomAD 0.00007 and 0.00009; TOPMed 0.00010; ESP Exome Variant Server 0.00015.
gnomAD v4.1: 24 of 1,613,598 alleles (0.0015%); highest among the groups gnomAD compares: African/African-American, 0.017%; no homozygotes.

Submission:

Labcorp Genetics (formerly Invitae), Labcorp
Classification: Uncertain significance. Last evaluated: 2021-09-02. Review status: criteria provided, single submitter. Criteria: Invitae Variant Classification Sherloc (09022015). Collection method: clinical testing. Allele origin: germline.
Comment: This sequence change replaces arginine with glutamine at codon 356 of the SH3PXD2B protein (p.Arg356Gln). The arginine residue is highly conserved and there is a small physicochemical difference between arginine and glutamine. This variant is present in population databases (rs145215054, ExAC 0.05%). This missense change has been observed in individual(s) with primary congenital glaucoma (PMID: 22509100). Algorithms developed to predict the effect of missense changes on protein structure and function (SIFT, PolyPhen-2, Align-GVGD) all suggest that this variant is likely to be disruptive. In summary, the available evidence is currently insufficient to determine the role of this variant in disease. Therefore, it has been classified as a Variant of Uncertain Significance.

Literature cited by the submitters: PubMed 22509100.

NM_001017995.3(SH3PXD2B):c.1067G>A (p.Arg356Gln)

Gene: SH3PXD2B (SH3 and PX domains 2B; minus strand). Cytogenetic location: 5q35.1.
Variant type: single nucleotide variant.
Coding change: c.1067G>A on transcript NM_001017995.3 (MANE Select); coding-DNA position 1067, G replaced by A.
Protein change: p.Arg356Gln; replaces arginine 356 with glutamine.
Molecular consequence: missense variant.
Genome position (GRCh38, 1-based): chr5:172,346,257, C>T on the plus strand (G>A on the coding strand, the complement: SH3PXD2B is on the minus strand). VCF-style: chr5-172346257-C-T. GRCh37 (hg19) VCF-style: chr5-171773261-C-T.
Other names: c.1067G>A, p.Arg356Gln (NM_001308175.2); short protein forms R356Q.
Identifiers: ClinVar variation 1000379 (VCV001000379.6), dbSNP rs145215054, ClinGen allele CA3561300.
Genomic context (GRCh38, chr5:172,346,257, plus strand): 5'-ATGGTGTAATACTCTTCCTCCACTTGGGGCGGGATGGGCGGCTTCGGCAGGTTGAGGCCT[C>T]GAGGCTGGTACGATCACACACAGGGTTATCTCCAAGGCTAAGTGCACTCCTGCGACCCTG-3'
Protein context (NP_001017995.1, residues 346-366): PPPRRDMTIP[Arg356Gln]GLNLPKPPIP